The following is an entry in ClinVar:

NM_000153.4(GALC):c.1826G>A (p.Gly609Asp)

Gene: GALC (galactosylceramidase; minus strand). Cytogenetic location: 14q31.3.
Variant type: single nucleotide variant.
Coding change: c.1826G>A on transcript NM_000153.4 (MANE Select); coding-DNA position 1826, G replaced by A.
Protein change: p.Gly609Asp; replaces glycine 609 with aspartic acid.
Molecular consequence: missense variant. On other transcripts: non-coding transcript variant (1).
Genome position (GRCh38, 1-based): chr14:87,941,403, C>T on the plus strand (G>A on the coding strand, the complement: GALC is on the minus strand). VCF-style: chr14-87941403-C-T. GRCh37 (hg19) VCF-style: chr14-88407747-C-T.
Other names: c.1757G>A, p.Gly586Asp (NM_001201401.2); c.1748G>A, p.Gly583Asp (NM_001201402.2); c.1658G>A, p.Gly553Asp (NM_001424071.1, NM_001424072.1, NM_001424073.1); c.1478G>A, p.Gly493Asp (NM_001424074.1, NM_001424075.1); c.1193G>A, p.Gly398Asp (NM_001424076.1, NM_001424077.1); short protein forms G398D, G493D, G553D, G583D, G586D, G609D.
Identifiers: ClinVar variation 4806003 (VCV004806003.1).

ClinVar aggregate classification (germline): Uncertain significance (1 of 4 stars; one submission).

Conditions:
Galactosylceramide beta-galactosidase deficiency. Also called: Krabbe Disease; GALACTOCEREBROSIDASE DEFICIENCY; GALC DEFICIENCY; GLOBOID CELL LEUKOENCEPHALOPATHY; Leukodystrophy, Globoid Cell. Identifiers: Orphanet 487, MedGen C0023521, MONDO:0009499, OMIM 245200.

Submission:

Labcorp Genetics (formerly Invitae), Labcorp
Classification: Uncertain significance for Galactosylceramide beta-galactosidase deficiency. Last evaluated: 2025-10-29. Review status: criteria provided, single submitter. Criteria: Invitae Variant Classification Sherloc (09022015). Collection method: clinical testing. Allele origin: germline.
Comment: This sequence change replaces glycine, which is neutral and non-polar, with aspartic acid, which is acidic and polar, at codon 609 of the GALC protein (p.Gly609Asp). This variant is not present in population databases (gnomAD no frequency). This variant has not been reported in the literature in individuals affected with GALC-related conditions. Invitae Evidence Modeling of protein sequence and biophysical properties (such as structural, functional, and spatial information, amino acid conservation, physicochemical variation, residue mobility, and thermodynamic stability) has been performed for this missense variant. However, the output from this modeling did not meet the statistical confidence thresholds required to predict the impact of this variant on GALC protein function. In summary, the available evidence is currently insufficient to determine the role of this variant in disease. Therefore, it has been classified as a Variant of Uncertain Significance.